The following is an entry in ClinVar:

ClinVar aggregate classification (germline): Uncertain significance (1 of 4 stars; one submission).

Allele frequency attached by ClinVar (database versions not stated): ExAC 0.00001.
gnomAD v4.1: 2 of 1,612,868 alleles (0.00012%); highest among the groups gnomAD compares: South Asian, 0.0022%; no homozygotes.

Submission:

Labcorp Genetics (formerly Invitae), Labcorp
Classification: Uncertain significance. Last evaluated: 2022-09-12. Review status: criteria provided, single submitter. Criteria: Invitae Variant Classification Sherloc (09022015). Collection method: clinical testing. Allele origin: germline.
Comment: This variant has not been reported in the literature in individuals affected with SAMD9L-related conditions. Advanced modeling of protein sequence and biophysical properties (such as structural, functional, and spatial information, amino acid conservation, physicochemical variation, residue mobility, and thermodynamic stability) performed at Invitae indicates that this missense variant is not expected to disrupt SAMD9L protein function. In summary, the available evidence is currently insufficient to determine the role of this variant in disease. Therefore, it has been classified as a Variant of Uncertain Significance. This sequence change replaces alanine, which is neutral and non-polar, with proline, which is neutral and non-polar, at codon 1354 of the SAMD9L protein (p.Ala1354Pro). This variant is present in population databases (rs747608565, gnomAD 0.007%).

NM_152703.5(SAMD9L):c.4060G>C (p.Ala1354Pro)

Gene: SAMD9L (sterile alpha motif domain containing 9 like; minus strand). Cytogenetic location: 7q21.2.
Variant type: single nucleotide variant.
Coding change: c.4060G>C on transcript NM_152703.5 (MANE Select); coding-DNA position 4060, G replaced by C.
Protein change: p.Ala1354Pro; replaces alanine 1354 with proline.
Molecular consequence: missense variant.
Genome position (GRCh38, 1-based): chr7:93,131,912, C>G on the plus strand (G>C on the coding strand, the complement: SAMD9L is on the minus strand). VCF-style: chr7-93131912-C-G. GRCh37 (hg19) VCF-style: chr7-92761225-C-G.
Other names: c.4060G>C, p.Ala1354Pro (NM_001303496.3, NM_001303497.3, NM_001303498.3 and 5 more transcripts); short protein forms A1354P.
Identifiers: ClinVar variation 1718533 (VCV001718533.5), dbSNP rs747608565, ClinGen allele CA4343367.
Genomic context (GRCh38, chr7:93,131,912, plus strand): 5'-TTTTTGAGTTTTGCTGCAGTAGGAAGGCATATTCATTCACTATACTTTCCATGGTGGTAG[C>G]ATCTTTGTAGTTTGGATTAAGATATTCCAAGAGTCCAGCAAACCTATCTGCTCTCAGAGC-3'
Protein context (NP_689916.2, residues 1344-1364): LEYLNPNYKD[Ala1354Pro]TTMESIVNEY